The following is an entry in ClinVar:

NM_001267550.2(TTN):c.29502A>G (p.Glu9834=)

Gene: TTN (titin; minus strand). Cytogenetic location: 2q31.2.
Variant type: single nucleotide variant.
Coding change: c.29502A>G on transcript NM_001267550.2 (MANE Select); coding-DNA position 29502, A replaced by G.
Protein change: p.Glu9834=; no amino-acid change (glutamic acid 9834 retained).
Molecular consequence: synonymous variant. On other transcripts: intron variant (3).
Genome position (GRCh38, 1-based): chr2:178,705,276, T>C on the plus strand (A>G on the coding strand, the complement: TTN is on the minus strand). VCF-style: chr2-178705276-T-C. GRCh37 (hg19) VCF-style: chr2-179570003-T-C.
Other names: c.28551A>G, p.Glu9517= (NM_001256850.1); c.25770A>G, p.Glu8590= (NM_133378.4); c.13282+32806A>G (NM_003319.4); c.13858+32806A>G (NM_133437.4); c.13657+32806A>G (NM_133432.3).
Identifiers: ClinVar variation 466990 (VCV000466990.3), dbSNP rs759468315, ClinGen allele CA1999365.

ClinVar aggregate classification (germline): Conflicting classifications of pathogenicity. Review status: criteria provided, conflicting classifications (1 of 4 stars). 2 submissions from 2 submitters: Uncertain significance (1); Likely benign (1). Last evaluated 2018-01-03.

Conditions:
Autosomal recessive limb-girdle muscular dystrophy type 2J (LGMDR10). Also called: Limb-girdle muscular dystrophy, type 2J; MUSCULAR DYSTROPHY, LIMB-GIRDLE, AUTOSOMAL RECESSIVE 10. Identifiers: Orphanet 140922, MedGen C1837342, MONDO:0012127, OMIM 608807.
Dilated cardiomyopathy 1G (CMD1G). Identifiers: Orphanet 154, MedGen C1858763, MONDO:0011400, OMIM 604145.

Allele frequency attached by ClinVar (database versions not stated): gnomAD exomes 0.00001; ExAC 0.00002.
gnomAD v4.1: 3 of 1,613,550 alleles (0.00019%); highest among the groups gnomAD compares: Admixed American, 0.0033%; no homozygotes.

Submissions (2):

GeneDx
Classification: Likely benign. Last evaluated: 2018-01-03. Review status: criteria provided, single submitter. Criteria: GeneDx Variant Classification (06012015). Collection method: clinical testing. Allele origin: germline. Affected: yes.
Comment: This variant is considered likely benign or benign based on one or more of the following criteria: it is a conservative change, it occurs at a poorly conserved position in the protein, it is predicted to be benign by multiple in silico algorithms, and/or has population frequency not consistent with disease.

Labcorp Genetics (formerly Invitae), Labcorp
Classification: Uncertain significance for Dilated cardiomyopathy 1G; Autosomal recessive limb-girdle muscular dystrophy type 2J. Last evaluated: 2017-02-20. Review status: criteria provided, single submitter. Criteria: Invitae Variant Classification Sherloc (09022015). Collection method: clinical testing. Allele origin: germline.